The following is an entry in ClinVar:

NM_001282933.2(ZNF341):c.319C>T (p.Pro107Ser)

Gene: ZNF341 (zinc finger protein 341; plus strand). Cytogenetic location: 20q11.22.
Variant type: single nucleotide variant.
Coding change: c.319C>T on transcript NM_001282933.2 (MANE Select); coding-DNA position 319, C replaced by T.
Protein change: p.Pro107Ser; replaces proline 107 with serine.
Molecular consequence: missense variant. On other transcripts: non-coding transcript variant (1), intron variant (1).
Genome position (GRCh38, 1-based): chr20:33,745,279, C>T. VCF-style: chr20-33745279-C-T. GRCh37 (hg19) VCF-style: chr20-32333085-C-T.
Other names: c.319C>T, p.Pro107Ser (NM_032819.5); c.70-3644C>T (NM_001282935.2); short protein forms P107S.
Identifiers: ClinVar variation 1426927 (VCV001426927.8), dbSNP rs1394243806, ClinGen allele CA408645919.

ClinVar aggregate classification (germline): Uncertain significance (1 of 4 stars; one submission).

Allele frequency attached by ClinVar (database versions not stated): TOPMed below 0.00001; gnomAD 0.00001.
gnomAD v4.1: 1 of 1,611,956 alleles (0.000062%); highest among the groups gnomAD compares: Non-Finnish European, 0.000085%; no homozygotes.

Submission:

Labcorp Genetics (formerly Invitae), Labcorp
Classification: Uncertain significance. Last evaluated: 2021-03-11. Review status: criteria provided, single submitter. Criteria: Invitae Variant Classification Sherloc (09022015). Collection method: clinical testing. Allele origin: germline.
Comment: This sequence change replaces proline with serine at codon 107 of the ZNF341 protein (p.Pro107Ser). The proline residue is highly conserved and there is a moderate physicochemical difference between proline and serine. This variant is not present in population databases (ExAC no frequency). This variant has not been reported in the literature in individuals with ZNF341-related conditions. Algorithms developed to predict the effect of missense changes on protein structure and function (SIFT, PolyPhen-2, Align-GVGD) all suggest that this variant is likely to be tolerated, but these predictions have not been confirmed by published functional studies and their clinical significance is uncertain. In summary, the available evidence is currently insufficient to determine the role of this variant in disease. Therefore, it has been classified as a Variant of Uncertain Significance.